The following is an entry in ClinVar:

NM_000051.4(ATM):c.967del (p.Glu322_Ile323insTer)

Gene: ATM (ATM serine/threonine kinase; plus strand). Cytogenetic location: 11q22.3.
Variant type: Deletion.
Coding change: c.967del on transcript NM_000051.4 (MANE Select); coding-DNA position 967, one base deleted (A; older notation c.967delA).
Protein change: p.Glu322_Ile323insTer.
Molecular consequence: nonsense.
Genome position (GRCh38, 1-based): chr11:108,247,029, A deleted. VCF-style (leftmost placement, unchanged base first): chr11-108247028-GA-G. GRCh37 (hg19) VCF-style: chr11-108117755-GA-G.
Other names: c.967del, p.Glu322_Ile323insTer (NM_001351834.2).
Identifiers: ClinVar variation 1379561 (VCV001379561.6), dbSNP rs2135266498, ClinGen allele CA2573146404.

ClinVar aggregate classification (germline): Pathogenic (1 of 4 stars; one submission).

Conditions:
Ataxia-telangiectasia syndrome (AT). Also called: Cerebello-oculocutaneous telangiectasia; Immunodeficiency with ataxia telangiectasia; LOUIS-BAR SYNDROME; ATAXIA-TELANGIECTASIA, COMPLEMENTATION GROUP A; ATAXIA-TELANGIECTASIA, FRESNO VARIANT; Ataxia-telangiectasia, complementation group D. Identifiers: Orphanet 100, MedGen C0004135, MONDO:0008840, OMIM 208900.

Submission:

Labcorp Genetics (formerly Invitae), Labcorp
Classification: Pathogenic for Ataxia-telangiectasia syndrome. Last evaluated: 2024-10-23. Review status: criteria provided, single submitter. Criteria: Invitae Variant Classification Sherloc (09022015). Collection method: clinical testing. Allele origin: germline.
Comment: This sequence change creates a premature translational stop signal (p.Ile323*) in the ATM gene. It is expected to result in an absent or disrupted protein product. Loss-of-function variants in ATM are known to be pathogenic (PMID: 23807571, 25614872). This variant is not present in population databases (gnomAD no frequency). This variant has not been reported in the literature in individuals affected with ATM-related conditions. ClinVar contains an entry for this variant (Variation ID: 1379561). Algorithms developed to predict the effect of sequence changes on RNA splicing suggest that this variant may disrupt the consensus splice site. For these reasons, this variant has been classified as Pathogenic.

Literature cited by the submitters: PubMed 23807571; PubMed 25614872.